The following is an entry in ClinVar:

NM_004415.4(DSP):c.3110dup (p.Leu1037fs)

Gene: DSP (desmoplakin; plus strand). Cytogenetic location: 6p24.3.
Variant type: Duplication.
Coding change: c.3110dup on transcript NM_004415.4 (MANE Select); coding-DNA position 3110, one base duplicated (T; older notation c.3110dupT).
Protein change: p.Leu1037fs; shifts the reading frame from leucine 1037.
Molecular consequence: frameshift variant.
Genome position (GRCh38, 1-based): chr6:7,579,300, T duplicated; the last of 4 consecutive T bases (chr6:7,579,297-7,579,300); duplicating any one gives the same sequence. VCF-style (leftmost placement, unchanged base first): chr6-7579296-G-GT. GRCh37 (hg19) VCF-style: chr6-7579529-G-GT.
Other names: c.3110dup, p.Leu1037fs (NM_001008844.3, NM_001319034.2); short protein forms L1037fs.
Identifiers: ClinVar variation 3076036 (VCV003076036.1), dbSNP rs2533922225, ClinGen allele CA913187621.

ClinVar aggregate classification (germline): Likely pathogenic (1 of 4 stars; one submission).

Conditions:
Arrhythmogenic right ventricular cardiomyopathy (ARVD). Also called: Arrhythmogenic right ventricular dysplasia; Cardiomyopathy, ARVC; Arrhythmogenic cardiomyopathy; Arrhythmogenic Right Ventricular Cardiomyopathy (ARVC). Identifiers: Orphanet 247, MedGen C0349788, MeSH D019571, MONDO:0016587. Disease mechanism: loss of function. Inheritance: Various modes of inheritance.

Submission:

Laboratory for Molecular Medicine, Mass General Brigham Personalized Medicine
Classification: Likely pathogenic for Arrhythmogenic right ventricular cardiomyopathy. Last evaluated: 2017-07-18. Review status: criteria provided, single submitter. Criteria: ACMG Guidelines, 2015. Collection method: clinical testing. Allele origin: germline.
Comment: The p.Leu1037fs variant in DSP has not been previously reported in individuals with cardiomyopathy and was absent from large population studies. This variant is located within exon 23 of DSP which undergoes alternative splicing resulting in two isoforms: one with a shorter and one with a longer form of this exon. This variant is located within both isoforms. This variant is predicted to cause a frameshift, which alters the protein’s amino acid sequence beginning at position 1037 and leads to a premature termination codon 17 amino acids downstream. This alteration is then predicted to lead to a truncated or absent protein. Frameshift and nonsense variants in DSP have been reported in patients with ARVC, but recent evidence supports that they can also cause DCM (Pugh 2014). In summary, although additional studies are required to fully establish its clinical significance, the p.Leu1037fs variant is likely pathogenic.